The following is an entry in ClinVar:

NM_016122.3(CEP83):c.682G>A (p.Glu228Lys)

Gene: CEP83 (centrosomal protein 83; minus strand). Cytogenetic location: 12q22.
Variant type: single nucleotide variant.
Coding change: c.682G>A on transcript NM_016122.3 (MANE Select); coding-DNA position 682, G replaced by A.
Protein change: p.Glu228Lys; replaces glutamic acid 228 with lysine.
Molecular consequence: missense variant. On other transcripts: non-coding transcript variant (3).
Genome position (GRCh38, 1-based): chr12:94,378,910, C>T on the plus strand (G>A on the coding strand, the complement: CEP83 is on the minus strand). VCF-style: chr12-94378910-C-T. GRCh37 (hg19) VCF-style: chr12-94772686-C-T.
Other names: c.682G>A, p.Glu228Lys (NM_001042399.2, NM_001346457.2, NM_001346460.2 and 3 more transcripts); c.370G>A, p.Glu124Lys (NM_001346458.2, NM_001346459.2, NM_001346462.2 and 2 more transcripts); c.457G>A, p.Glu153Lys (NM_001368041.1); c.145G>A, p.Glu49Lys (NM_001368042.1); short protein forms E124K, E153K, E228K, E49K.
Identifiers: ClinVar variation 1061933 (VCV001061933.7), dbSNP rs770968672, ClinGen allele CA6721865.
Genomic context (GRCh38, chr12:94,378,910, plus strand): 5'-CATTTTCCACCTGAGCCTCAGAATTCTCCTTTTCAGCCTTTAATTCCGCTACTTCAGCCT[C>T]TAAACCTTTTAATTTTTGACACAAATAGACTTTTTCTCGAGCAAGTTGTTCCACTCGTTT-3'
Protein context (NP_057206.2, residues 218-238): VYLCQKLKGL[Glu228Lys]AEVAELKAEK

ClinVar aggregate classification (germline): Uncertain significance (1 of 4 stars; one submission).

Conditions:
Nephronophthisis 18 (NPHP18). Identifiers: Orphanet 655, MedGen C3890591, MONDO:0014374, OMIM 615862.

Allele frequency attached by ClinVar (database versions not stated): TOPMed below 0.00001; gnomAD exomes 0.00001; ExAC 0.00002.

Submission:

Labcorp Genetics (formerly Invitae), Labcorp
Classification: Uncertain significance for Nephronophthisis 18. Last evaluated: 2020-10-26. Review status: criteria provided, single submitter. Criteria: Invitae Variant Classification Sherloc (09022015). Collection method: clinical testing. Allele origin: germline.
Comment: This variant is present in population databases (rs770968672, ExAC 0.003%). This sequence change replaces glutamic acid with lysine at codon 228 of the CEP83 protein (p.Glu228Lys). The glutamic acid residue is highly conserved and there is a small physicochemical difference between glutamic acid and lysine. This variant has not been reported in the literature in individuals with CEP83-related conditions. In summary, the available evidence is currently insufficient to determine the role of this variant in disease. Therefore, it has been classified as a Variant of Uncertain Significance. Algorithms developed to predict the effect of missense changes on protein structure and function are either unavailable or do not agree on the potential impact of this missense change (SIFT: "Not Available"; PolyPhen-2: "Possibly Damaging"; Align-GVGD: "Not Available").